The following is an entry in ClinVar:

ClinVar aggregate classification (germline): Benign/Likely benign. Review status: criteria provided, multiple submitters, no conflicts (2 of 4 stars). 2 submissions from 2 submitters: Benign (1); Likely benign (1). Last evaluated 2026-07-14.

Conditions:
Rhabdoid tumor predisposition syndrome 2 (RTPS2). Identifiers: Orphanet 231108, Orphanet 69077, MedGen C2750074, MONDO:0013224, OMIM 613325.

Submissions (2):

Myriad Genetics, Inc.
Classification: Benign for Rhabdoid tumor predisposition syndrome 2. Last evaluated: 2026-07-14. Review status: criteria provided, single submitter. Criteria: Myriad Autosomal Dominant, Autosomal Recessive and X-Linked Classification Criteria (2023). Collection method: clinical testing. Allele origin: unknown.
Comment: This variant is considered benign. This variant is a silent/synonymous amino acid change and it is not expected to impact splicing.

Labcorp Genetics (formerly Invitae), Labcorp
Classification: Likely benign for Rhabdoid tumor predisposition syndrome 2. Last evaluated: 2025-09-25. Review status: criteria provided, single submitter. Criteria: Invitae Variant Classification Sherloc (09022015). Collection method: clinical testing. Allele origin: germline.

NM_003072.5(SMARCA4):c.2814C>T (p.Thr938=)

Gene: SMARCA4 (SWI/SNF related BAF chromatin remodeling complex subunit ATPase 4; plus strand). Cytogenetic location: 19p13.2.
Variant type: single nucleotide variant.
Coding change: c.2814C>T on transcript NM_003072.5 (MANE Select); coding-DNA position 2814, C replaced by T.
Protein change: p.Thr938=; no amino-acid change (threonine 938 retained).
Molecular consequence: synonymous variant. On other transcripts: non-coding transcript variant (1).
Genome position (GRCh38, 1-based): chr19:11,021,922, C>T. VCF-style: chr19-11021922-C-T. GRCh37 (hg19) VCF-style: chr19-11132598-C-T.
Other names: c.2814C>T, p.Thr938= (NM_001128844.3, NM_001128845.2, NM_001128846.2 and 5 more transcripts).
Identifiers: ClinVar variation 470320 (VCV000470320.9), dbSNP rs768106020, ClinGen allele CA9204227.
Genomic context (GRCh38, chr19:11,021,922, plus strand): 5'-TCCCGAGCTCTGGGCGCTGCTCAACTTCCTGCTGCCCACCATCTTCAAGAGCTGCAGCAC[C>T]TTCGAGCAGTGGTTTAACGCACCCTTTGCCATGACCGGGGAAAAGGTGGGTTTGCCCAGC-3'
Protein context (NP_003063.2, residues 928-948): LLPTIFKSCS[Thr938=]FEQWFNAPFA